The following is an entry in ClinVar:

ClinVar aggregate classification (germline): Uncertain significance (1 of 4 stars; one submission).

Conditions:
Fanconi anemia (FA). Also called: Fanconi's anemia. Identifiers: Orphanet 84, MedGen C0015625, MeSH D005199, MONDO:0019391.

Submission:

Labcorp Genetics (formerly Invitae), Labcorp
Classification: Uncertain significance for Fanconi anemia. Last evaluated: 2025-04-28. Review status: criteria provided, single submitter. Criteria: Invitae Variant Classification Sherloc (09022015). Collection method: clinical testing. Allele origin: germline.
Comment: This sequence change replaces glutamine, which is neutral and polar, with histidine, which is basic and polar, at codon 618 of the FANCI protein (p.Gln618His). This variant is not present in population databases (gnomAD no frequency). This variant has not been reported in the literature in individuals affected with FANCI-related conditions. ClinVar contains an entry for this variant (Variation ID: 2916817). Invitae Evidence Modeling of protein sequence and biophysical properties (such as structural, functional, and spatial information, amino acid conservation, physicochemical variation, residue mobility, and thermodynamic stability) indicates that this missense variant is expected to disrupt FANCI protein function with a positive predictive value of 80%. In summary, the available evidence is currently insufficient to determine the role of this variant in disease. Therefore, it has been classified as a Variant of Uncertain Significance.

NM_001113378.2(FANCI):c.1854G>T (p.Gln618His)

Gene: FANCI (FA complementation group I; plus strand). Cytogenetic location: 15q26.1.
Variant type: single nucleotide variant.
Coding change: c.1854G>T on transcript NM_001113378.2 (MANE Select); coding-DNA position 1854, G replaced by T.
Protein change: p.Gln618His; replaces glutamine 618 with histidine.
Molecular consequence: missense variant.
Genome position (GRCh38, 1-based): chr15:89,290,245, G>T. VCF-style: chr15-89290245-G-T. GRCh37 (hg19) VCF-style: chr15-89833476-G-T.
Other names: c.1575G>T, p.Gln525His (NM_001376910.1); c.1854G>T, p.Gln618His (NM_001376911.1, NM_018193.3); short protein forms Q618H, Q525H.
Identifiers: ClinVar variation 2916817 (VCV002916817.3), dbSNP rs2507291942, ClinGen allele CA393747654.